The following is an entry in ClinVar:

NC_000012.11:g.(?_114793337)_(115121005_?)dup

Genes: TBX3 (T-box transcription factor 3; minus strand), TBX5 (T-box transcription factor 5; minus strand). Cytogenetic location: 12q24.21.
Variant type: Duplication.
Identifiers: ClinVar variation 3244320 (VCV003244320.1).

ClinVar aggregate classification (germline): Uncertain significance. Review status: criteria provided, single submitter (1 of 4 stars). 2 submissions from 1 submitter: Uncertain significance (2). Last evaluated 2023-01-15.

Conditions:
Ulnar-mammary syndrome (UMS). Also called: SCHINZEL SYNDROME; Ulnar-mammary syndrome of Pallister; PALLISTER ULNAR-MAMMARY SYNDROME. Identifiers: Orphanet 3138, MedGen C1866994, MONDO:0008411, OMIM 181450.
Aortic valve disease 2 (AOVD2). Identifiers: MedGen C3542024, MONDO:0013902, OMIM 614823.

Submissions (2):

Labcorp Genetics (formerly Invitae), Labcorp
Classification: Uncertain significance for Aortic valve disease 2. Last evaluated: 2023-01-15. Review status: criteria provided, single submitter. Criteria: Invitae Variant Classification Sherloc (09022015). Collection method: clinical testing. Allele origin: unknown.
Comment: In summary, the available evidence is currently insufficient to determine the role of this variant in disease. Therefore, it has been classified as a Variant of Uncertain Significance. Experimental studies and prediction algorithms are not available or were not evaluated, and the functional significance of this variant is currently unknown. Isolated whole-gene copy number gains of TBX5 have not been reported in the literature. However, larger copy number events that include this gene have been reported (PMID: 33930582). A copy number gain of the genomic region encompassing the full coding sequence of the TBX5 gene has been identified. The boundaries of this event are unknown as they extend beyond the assayed region for this gene and therefore may encompass additional genes. As the precise location of this event is unknown, it may be in tandem or it may be located elsewhere in the genome.

Labcorp Genetics (formerly Invitae), Labcorp
Classification: Uncertain significance for Ulnar-mammary syndrome. Last evaluated: 2023-01-15. Review status: criteria provided, single submitter. Criteria: Invitae Variant Classification Sherloc (09022015). Collection method: clinical testing. Allele origin: unknown.
Comment: In summary, the available evidence is currently insufficient to determine the role of this variant in disease. Therefore, it has been classified as a Variant of Uncertain Significance. Experimental studies and prediction algorithms are not available or were not evaluated, and the functional significance of this variant is currently unknown. Isolated whole-gene copy number gains of TBX3 have not been reported in the literature. However, larger copy number events that include this gene have been reported (PMID: 33930582). A copy number gain of the genomic region encompassing the full coding sequence of the TBX3 gene has been identified. The boundaries of this event are unknown as they extend beyond the assayed region for this gene and therefore may encompass additional genes. As the precise location of this event is unknown, it may be in tandem or it may be located elsewhere in the genome.

Literature cited by the submitters: PubMed 33930582.